The following is an entry in ClinVar:

NM_206933.4(USH2A):c.10609C>T (p.Leu3537Phe)

Gene: USH2A (usherin; minus strand). Cytogenetic location: 1q41.
Variant type: single nucleotide variant.
Coding change: c.10609C>T on transcript NM_206933.4 (MANE Select); coding-DNA position 10609, C replaced by T.
Protein change: p.Leu3537Phe; replaces leucine 3537 with phenylalanine.
Molecular consequence: missense variant.
Genome position (GRCh38, 1-based): chr1:215,782,173, G>A on the plus strand (C>T on the coding strand, the complement: USH2A is on the minus strand). VCF-style: chr1-215782173-G-A. GRCh37 (hg19) VCF-style: chr1-215955515-G-A.
Other names: short protein forms L3537F.
Identifiers: ClinVar variation 451552 (VCV000451552.16), dbSNP rs138656755, ClinGen allele CA1393970.

ClinVar aggregate classification (germline): Conflicting classifications of pathogenicity. Review status: criteria provided, conflicting classifications (1 of 4 stars). 5 submissions from 5 submitters: Uncertain significance (3); Likely benign (1). 1 of the submissions does not count toward it. Last evaluated 2026-09-01.

Conditions:
USH2A-related disorder. Also called: USH2A-related condition; USH2A-related disorders. Identifiers: MedGen CN239332.

Allele frequency attached by ClinVar (database versions not stated): ESP Exome Variant Server 0.00031; gnomAD 0.00042 and 0.00046; TOPMed 0.00049; gnomAD exomes 0.00012 and 0.00004; 1000 Genomes Project 30x 0.00016; 1000 Genomes Project 0.00020; ExAC 0.00009.
gnomAD v4.1: 121 of 1,613,924 alleles (0.0075%); highest among the groups gnomAD compares: African/African-American, 0.14%; no homozygotes.

Submissions (5):

CeGaT Center for Human Genetics Tuebingen
Classification: Uncertain significance. Last evaluated: 2026-09-01. Review status: criteria provided, single submitter. Criteria: CeGaT Center For Human Genetics Tuebingen Variant Classification Criteria Version 2. Collection method: clinical testing. Allele origin: germline. Affected: yes. Observed: 1 variant allele.
Comment: USH2A: PM2, BP4

Labcorp Genetics (formerly Invitae), Labcorp
Classification: Likely benign. Last evaluated: 2026-01-14. Review status: criteria provided, single submitter. Criteria: Invitae Variant Classification Sherloc (09022015). Collection method: clinical testing. Allele origin: germline.

Blueprint Genetics
Classification: Uncertain significance. Last evaluated: 2024-06-18. Review status: criteria provided, single submitter. Criteria: ACMG Guidelines, 2015. Collection method: clinical testing. Allele origin: germline.

GeneDx
Classification: Uncertain significance. Last evaluated: 2017-08-24. Review status: criteria provided, single submitter. Criteria: GeneDx Variant Classification (06012015). Collection method: clinical testing. Allele origin: germline. Affected: yes.
Comment: The L3537F variant in the USH2A gene has not been reported previously as a pathogenic variant, nor as a benign variant, to our knowledge. The L3537F variant is observed in 9/10356 (0.087%) alleles from individuals of African background in the ExAC dataset (Lek et al., 2016). The L3537F variant is a conservative amino acid substitution, which is not likely to impact secondary protein structure as these residues share similar properties. This substitution occurs at a position that is conserved across species. In silico analysis is inconsistent in its predictions as to whether or not the variant is damaging to the protein structure/function. We interpret L3537F as a variant of uncertain significance.

PreventionGenetics, part of Exact Sciences
Classification: Uncertain significance for USH2A-related condition. Last evaluated: 2024-08-27. Review status: no assertion criteria provided. Collection method: clinical testing. Allele origin: germline. Not counted in ClinVar's aggregate classification.
Comment: The USH2A c.10609C>T variant is predicted to result in the amino acid substitution p.Leu3537Phe. To our knowledge, this variant has not been reported in the literature. This variant is reported in 0.15% of alleles in individuals of African descent in gnomAD, which is likely too frequent to be a primary cause of disease. Although we suspect that this variant may be benign, its clinical significance is currently classified as uncertain due to the absence of conclusive functional and genetic evidence.